The following is an entry in ClinVar:

ClinVar aggregate classification (germline): Benign/Likely benign. Review status: criteria provided, multiple submitters, no conflicts (2 of 4 stars). 3 submissions from 3 submitters: Benign (1); Likely benign (1). 1 of the submissions does not count toward it. Last evaluated 2025-09-02.

Conditions:
AMER1-related disorder. Also called: AMER1-related condition.
Inborn genetic diseases. Identifiers: MedGen C0950123, MeSH D030342.

Allele frequency attached by ClinVar (database versions not stated): gnomAD exomes 0.00003; gnomAD 0.00004; TOPMed 0.00005; ExAC 0.00010.
gnomAD v4.1: 32 of 1,210,362 alleles (0.0026%); highest among the groups gnomAD compares: Admixed American, 0.057%; no homozygotes.

Submissions (3):

Labcorp Genetics (formerly Invitae), Labcorp
Classification: Benign. Last evaluated: 2025-09-02. Review status: criteria provided, single submitter. Criteria: Invitae Variant Classification Sherloc (09022015). Collection method: clinical testing. Allele origin: germline.

Ambry Genetics
Classification: Likely benign for Inborn genetic diseases. Last evaluated: 2021-09-17. Review status: criteria provided, single submitter. Criteria: Ambry Variant Classification Scheme 2023. Collection method: clinical testing. Allele origin: germline.

PreventionGenetics, part of Exact Sciences
Classification: Likely benign for AMER1-related condition. Last evaluated: 2024-04-03. Review status: no assertion criteria provided. Collection method: clinical testing. Allele origin: germline. Not counted in ClinVar's aggregate classification.
Comment: This variant is classified as likely benign based on ACMG/AMP sequence variant interpretation guidelines (Richards et al. 2015 PMID: 25741868, with internal and published modifications).

NM_152424.4(AMER1):c.3056A>G (p.Gln1019Arg)

Gene: AMER1 (APC membrane recruitment protein 1; minus strand). Cytogenetic location: Xq11.2.
Variant type: single nucleotide variant.
Coding change: c.3056A>G on transcript NM_152424.4 (MANE Select); coding-DNA position 3056, A replaced by G.
Protein change: p.Gln1019Arg; replaces glutamine 1019 with arginine.
Molecular consequence: missense variant.
Genome position (GRCh38, 1-based): chrX:64,190,231, T>C on the plus strand (A>G on the coding strand, the complement: AMER1 is on the minus strand). VCF-style: chrX-64190231-T-C. GRCh37 (hg19) VCF-style: chrX-63410111-T-C.
Other names: short protein forms Q1019R.
Identifiers: ClinVar variation 2084525 (VCV002084525.6), dbSNP rs749995763, ClinGen allele CA10432114.
Genomic context (GRCh38, chrX:64,190,231, plus strand): 5'-TGTGGCTGGAGGTTATAGCAAGGGCCCATGGGCAGGTGTAGGTGTGAGGGACGAGCTAGT[T>C]GAGGCCCAGATTCCCCAGGTGCCCTTGACTCTGGCACTGATAGTGATATTGACATGGTCA-3'
Protein context (NP_689637.3, residues 1009-1029): ESRAPGESGP[Gln1019Arg]LARPSHLHLP